The following is an entry in ClinVar:

NM_002335.4(LRP5):c.265C>A (p.Gln89Lys)

Gene: LRP5 (LDL receptor related protein 5; plus strand). Cytogenetic location: 11q13.2.
Variant type: single nucleotide variant.
Coding change: c.265C>A on transcript NM_002335.4 (MANE Select); coding-DNA position 265, C replaced by A.
Protein change: p.Gln89Lys; replaces glutamine 89 with lysine.
Molecular consequence: missense variant. On other transcripts: 5 prime UTR variant (1).
Genome position (GRCh38, 1-based): chr11:68,348,020, C>A. VCF-style: chr11-68348020-C-A. GRCh37 (hg19) VCF-style: chr11-68115488-C-A.
Other names: c.-1501C>A (NM_001291902.2); short protein forms Q89K.
Identifiers: ClinVar variation 4991919 (VCV004991919.1).

ClinVar aggregate classification (germline): Uncertain significance (1 of 4 stars; one submission).

Conditions:
LRP5-related disorder. Also called: LRP5-related condition.

gnomAD v4.1: 1 of 1,614,158 alleles (0.000062%); highest among the groups gnomAD compares: Non-Finnish European, 0.000085%; no homozygotes.

Submission:

PreventionGenetics, part of Exact Sciences
Classification: Uncertain significance for LRP5-related condition. Last evaluated: 2026-07-22. Review status: criteria provided, single submitter. Criteria: ACMG Guidelines, 2015. Collection method: clinical testing. Allele origin: germline.
Comment: The LRP5 c.265C>A variant is predicted to result in the amino acid substitution p.Gln89Lys. To our knowledge, this variant has not been reported in the literature or in a large population database (gnomAD), indicating this variant is rare. At this time, the clinical significance of this variant is uncertain due to the absence of conclusive functional and genetic evidence.